The following is an entry in ClinVar:

NM_001378457.1(DMXL2):c.8170G>A (p.Gly2724Arg)

Gene: DMXL2 (Dmx like 2; minus strand). Cytogenetic location: 15q21.2.
Variant type: single nucleotide variant.
Coding change: c.8170G>A on transcript NM_001378457.1 (MANE Select); coding-DNA position 8170, G replaced by A.
Protein change: p.Gly2724Arg; replaces glycine 2724 with arginine.
Molecular consequence: missense variant. On other transcripts: non-coding transcript variant (2).
Genome position (GRCh38, 1-based): chr15:51,458,534, C>T on the plus strand (G>A on the coding strand, the complement: DMXL2 is on the minus strand). VCF-style: chr15-51458534-C-T. GRCh37 (hg19) VCF-style: chr15-51750731-C-T.
Other names: c.8107G>A, p.Gly2703Arg (NM_001174116.3); c.6196G>A, p.Gly2066Arg (NM_001174117.3); c.8167G>A, p.Gly2723Arg (NM_001378458.1); c.7882G>A, p.Gly2628Arg (NM_001378459.1); c.6085G>A, p.Gly2029Arg (NM_001378460.1); c.8104G>A, p.Gly2702Arg (NM_015263.5); short protein forms G2029R, G2702R, G2724R, G2703R, G2723R, G2066R, G2628R.
Identifiers: ClinVar variation 1925769 (VCV001925769.3), dbSNP rs778387830, ClinGen allele CA7561133.
Genomic context (GRCh38, chr15:51,458,534, plus strand): 5'-AAACTATATGTAAAAGTGACTATGAGACAAACCTTTTGGATTCTCTGTCATATTCTTCTC[C>T]GATCCATATGTATGACTGACAGGCCAGTAGAGAAGTAACATCAAGTTCTTGAACATCATG-3'
Protein context (NP_001365386.1, residues 2714-2734): LLACQSYIWI[Gly2724Arg]EEYDRESKSS

ClinVar aggregate classification (germline): Uncertain significance (1 of 4 stars; one submission).

Allele frequency attached by ClinVar (database versions not stated): ExAC 0.00001; gnomAD 0.00001; gnomAD exomes 0.00001; TOPMed 0.00002.
gnomAD v4.1: 11 of 1,613,636 alleles (0.00068%); highest among the groups gnomAD compares: South Asian, 0.0011%; no homozygotes.

Submission:

Labcorp Genetics (formerly Invitae), Labcorp
Classification: Uncertain significance. Last evaluated: 2022-04-24. Review status: criteria provided, single submitter. Criteria: Invitae Variant Classification Sherloc (09022015). Collection method: clinical testing. Allele origin: germline.
Comment: In summary, the available evidence is currently insufficient to determine the role of this variant in disease. Therefore, it has been classified as a Variant of Uncertain Significance. Algorithms developed to predict the effect of missense changes on protein structure and function are either unavailable or do not agree on the potential impact of this missense change (SIFT: "Tolerated"; PolyPhen-2: "Probably Damaging"; Align-GVGD: "Class C0"). This variant has not been reported in the literature in individuals affected with DMXL2-related conditions. This variant is present in population databases (rs778387830, gnomAD 0.006%). This sequence change replaces glycine, which is neutral and non-polar, with arginine, which is basic and polar, at codon 2703 of the DMXL2 protein (p.Gly2703Arg).